The following is an entry in ClinVar:

NM_005359.6(SMAD4):c.904+1_904+2insGCCTGTTCACAATGAGCTTGCATTCCAGCCTCCCATTTCCAATCATCCTGCTCCTGAGTAT

Gene: SMAD4 (SMAD family member 4; plus strand). Cytogenetic location: 18q21.2.
Variant type: Insertion.
Coding change: c.904+1_904+2insGCCTGTTCACAATGAGCTTGCATTCCAGCCTCCCATTTCCAATCATCCTGCTCCTGAGTAT on transcript NM_005359.6 (MANE Select); the canonical splice donor site of the intron after coding-DNA position 904, GCCTGTTCACAATGAGCTTGCATTCCAGCCTCCCATTTCCAATCATCCTGCTCCTGAGTAT inserted.
Molecular consequence: splice donor variant.
Genome position: GRCh38: chr18:51,058,457-51,058,458. GRCh37 (hg19): chr18:48,584,827-48,584,828.
Other names: c.904+1_904+2insGCCTGTTCACAATGAGCTTGCATTCCAGCCTCCCATTTCCAATCATCCTGCTCCTGAGTAT (NM_001407042.1, NM_001407041.1, NM_001407043.1).
Identifiers: ClinVar variation 3070724 (VCV003070724.1), dbSNP rs771084683, ClinGen allele CA2302977274.

ClinVar aggregate classification (germline): Uncertain significance (1 of 4 stars; one submission).

Conditions:
Juvenile polyposis/hereditary hemorrhagic telangiectasia syndrome (JPHT). Also called: Juvenile Polyposis Syndrome / Hereditary Hemorrhagic Telangiectasia (JPS/HHT); JP/HHT SYNDROME; JUVENILE POLYPOSIS WITH HEREDITARY HEMORRHAGIC TELANGIECTASIA; POLYPOSIS, GENERALIZED JUVENILE, WITH PULMONARY ARTERIOVENOUS MALFORMATION; TELANGIECTASIA, HEREDITARY HEMORRHAGIC, WITH JUVENILE POLYPOSIS COLI. Identifiers: Orphanet 2929, MedGen C1832942, MONDO:0008278, OMIM 175050.

Submission:

All of Us Research Program, National Institutes of Health
Classification: Uncertain significance for Juvenile polyposis/hereditary hemorrhagic telangiectasia syndrome. Last evaluated: 2023-11-02. Review status: criteria provided, single submitter. Criteria: ACMG Guidelines, 2015. Collection method: clinical testing. Allele origin: germline. Inheritance: Autosomal dominant inheritance. Observed: 1 variant allele, 1 heterozygote.
Comment: This variant results in an insertion of 61 nucleotides in the splice donor region of intron 7 of the SMAD4 gene. To our knowledge, RNA studies have not been reported for this variant. This variant has not been reported in individuals affected with hereditary cancer in the literature. This variant has not been identified in the general population by the Genome Aggregation Database (gnomAD). The available evidence is insufficient to determine the role of this variant in disease conclusively. Therefore, this variant is classified as a Variant of Uncertain Significance.

This study involves interpretation of variants in research participants for the purpose of population health screening. Participant phenotype was not available at the time of variant classification. Additional details can be found in publication PMID: 35346344, PMCID: PMC8962531